The following is an entry in ClinVar:

NM_000400.4(ERCC2):c.2168A>G (p.Gln723Arg)

Gene: ERCC2 (ERCC excision repair 2, TFIIH core complex helicase subunit; minus strand). Cytogenetic location: 19q13.32.
Variant type: single nucleotide variant.
Coding change: c.2168A>G on transcript NM_000400.4 (MANE Select); coding-DNA position 2168, A replaced by G.
Protein change: p.Gln723Arg; replaces glutamine 723 with arginine.
Molecular consequence: missense variant.
Genome position (GRCh38, 1-based): chr19:45,352,231, T>C on the plus strand (A>G on the coding strand, the complement: ERCC2 is on the minus strand). VCF-style: chr19-45352231-T-C. GRCh37 (hg19) VCF-style: chr19-45855489-T-C.
Other names: short protein forms Q723R.
Identifiers: ClinVar variation 1787010 (VCV001787010.2), dbSNP rs1971827895, ClinGen allele CA406360981.

ClinVar aggregate classification (germline): Uncertain significance (1 of 4 stars; one submission).

Conditions:
Inborn genetic diseases. Identifiers: MedGen C0950123, MeSH D030342.

Submission:

Ambry Genetics
Classification: Uncertain significance for Inborn genetic diseases. Last evaluated: 2021-10-15. Review status: criteria provided, single submitter. Criteria: Ambry Variant Classification Scheme 2023. Collection method: clinical testing. Allele origin: germline.
Comment: The p.Q723R variant (also known as c.2168A>G), located in coding exon 22 of the ERCC2 gene, results from an A to G substitution at nucleotide position 2168. The glutamine at codon 723 is replaced by arginine, an amino acid with highly similar properties. This amino acid position is conserved. In addition, the in silico prediction for this alteration is inconclusive. Since supporting evidence is limited at this time, the clinical significance of this alteration remains unclear.